The following is an entry in ClinVar:

ClinVar aggregate classification (germline): Benign/Likely benign. Review status: criteria provided, multiple submitters, no conflicts (2 of 4 stars). 4 submissions from 4 submitters: Benign (1); Likely benign (3). Last evaluated 2025-01-21.

Conditions:
Familial cancer of breast. Also called: BREAST CANCER, FAMILIAL; hereditary breast carcinoma; Hereditary breast cancer. Identifiers: Orphanet 227535, MedGen C0346153, MONDO:0016419, OMIM 114480. Disease mechanism: loss of function.
Hereditary cancer-predisposing syndrome. Also called: Tumor predisposition; Hereditary Cancer Syndrome; Neoplastic Syndromes, Hereditary; Hereditary neoplastic syndrome. Identifiers: Orphanet 140162, MedGen C0027672, MeSH D009386, MONDO:0015356.

Submissions (4):

Myriad Genetics, Inc.
Classification: Benign for Familial cancer of breast. Last evaluated: 2025-01-21. Review status: criteria provided, single submitter. Criteria: Myriad Autosomal Dominant, Autosomal Recessive and X-Linked Classification Criteria (2023). Collection method: clinical testing. Allele origin: unknown.
Comment: This variant is considered benign. This variant is a silent/synonymous amino acid change and it is not expected to impact splicing.

Ambry Genetics
Classification: Likely benign for Hereditary cancer-predisposing syndrome. Last evaluated: 2024-11-16. Review status: criteria provided, single submitter. Criteria: Ambry Variant Classification Scheme 2023. Collection method: clinical testing. Allele origin: germline.

Labcorp Genetics (formerly Invitae), Labcorp
Classification: Likely benign for Familial cancer of breast. Last evaluated: 2023-02-09. Review status: criteria provided, single submitter. Criteria: Invitae Variant Classification Sherloc (09022015). Collection method: clinical testing. Allele origin: germline.

Color Diagnostics, LLC DBA Color Health
Classification: Likely benign for Hereditary cancer-predisposing syndrome. Last evaluated: 2021-05-18. Review status: criteria provided, single submitter. Criteria: ACMG Guidelines, 2015. Collection method: clinical testing. Allele origin: germline.

NM_024675.4(PALB2):c.2973C>T (p.Val991=)

Gene: PALB2 (partner and localizer of BRCA2; minus strand). Cytogenetic location: 16p12.2.
Variant type: single nucleotide variant.
Coding change: c.2973C>T on transcript NM_024675.4 (MANE Select); coding-DNA position 2973, C replaced by T.
Protein change: p.Val991=; no amino-acid change (valine 991 retained).
Molecular consequence: synonymous variant.
Genome position (GRCh38, 1-based): chr16:23,622,992, G>A on the plus strand (C>T on the coding strand, the complement: PALB2 is on the minus strand). VCF-style: chr16-23622992-G-A. GRCh37 (hg19) VCF-style: chr16-23634313-G-A.
Identifiers: ClinVar variation 1332143 (VCV001332143.7), dbSNP rs2142334725, ClinGen allele CA494180378.